The following is an entry in ClinVar:

ClinVar aggregate classification (germline): Uncertain significance (1 of 4 stars; one submission).

Allele frequency attached by ClinVar (database versions not stated): gnomAD 0.00001; TOPMed 0.00001.

Submission:

Labcorp Genetics (formerly Invitae), Labcorp
Classification: Uncertain significance. Last evaluated: 2022-04-16. Review status: criteria provided, single submitter. Criteria: Invitae Variant Classification Sherloc (09022015). Collection method: clinical testing. Allele origin: germline.
Comment: In summary, the available evidence is currently insufficient to determine the role of this variant in disease. Therefore, it has been classified as a Variant of Uncertain Significance. This sequence change replaces threonine, which is neutral and polar, with isoleucine, which is neutral and non-polar, at codon 1410 of the NBAS protein (p.Thr1410Ile). This variant is not present in population databases (gnomAD no frequency). This variant has not been reported in the literature in individuals affected with NBAS-related conditions. Algorithms developed to predict the effect of missense changes on protein structure and function (SIFT, PolyPhen-2, Align-GVGD) all suggest that this variant is likely to be disruptive.

NM_015909.4(NBAS):c.4229C>T (p.Thr1410Ile)

Gene: NBAS (NBAS subunit of NRZ tethering complex; minus strand). Cytogenetic location: 2p24.3.
Variant type: single nucleotide variant.
Coding change: c.4229C>T on transcript NM_015909.4 (MANE Select); coding-DNA position 4229, C replaced by T.
Protein change: p.Thr1410Ile; replaces threonine 1410 with isoleucine.
Molecular consequence: missense variant. On other transcripts: non-coding transcript variant (1).
Genome position (GRCh38, 1-based): chr2:15,330,716, G>A on the plus strand (C>T on the coding strand, the complement: NBAS is on the minus strand). VCF-style: chr2-15330716-G-A. GRCh37 (hg19) VCF-style: chr2-15470840-G-A.
Other names: short protein forms T1410I.
Identifiers: ClinVar variation 1964633 (VCV001964633.5), dbSNP rs1192322526, ClinGen allele CA345881733.